The following is an entry in ClinVar:

NM_000368.5(TSC1):c.806C>A (p.Ala269Asp)

Gene: TSC1 (TSC complex subunit 1; minus strand). Cytogenetic location: 9q34.13.
Variant type: single nucleotide variant.
Coding change: c.806C>A on transcript NM_000368.5 (MANE Select); coding-DNA position 806, C replaced by A.
Protein change: p.Ala269Asp; replaces alanine 269 with aspartic acid.
Molecular consequence: missense variant.
Genome position (GRCh38, 1-based): chr9:132,912,389, G>T on the plus strand (C>A on the coding strand, the complement: TSC1 is on the minus strand). VCF-style: chr9-132912389-G-T. GRCh37 (hg19) VCF-style: chr9-135787776-G-T.
Other names: c.806C>A, p.Ala269Asp (NM_001162426.2); c.653C>A, p.Ala218Asp (NM_001162427.2); c.443C>A, p.Ala148Asp (NM_001362177.2); short protein forms A148D, A218D, A269D.
Identifiers: ClinVar variation 862639 (VCV000862639.10), dbSNP rs1347033062, ClinGen allele CA375369454.

ClinVar aggregate classification (germline): Conflicting classifications of pathogenicity. Review status: criteria provided, conflicting classifications (1 of 4 stars). 2 submissions from 2 submitters: Uncertain significance (1); Likely benign (1). Last evaluated 2025-07-05.

Conditions:
Hereditary cancer-predisposing syndrome. Also called: Tumor predisposition; Hereditary Cancer Syndrome; Neoplastic Syndromes, Hereditary; Hereditary neoplastic syndrome. Identifiers: Orphanet 140162, MedGen C0027672, MeSH D009386, MONDO:0015356.
Tuberous sclerosis 1 (TSC1). Identifiers: Orphanet 805, MedGen C1854465, MONDO:0008612, OMIM 191100.

Allele frequency attached by ClinVar (database versions not stated): gnomAD exomes below 0.00001.

Submissions (2):

Ambry Genetics
Classification: Uncertain significance for Hereditary cancer-predisposing syndrome. Last evaluated: 2025-07-05. Review status: criteria provided, single submitter. Criteria: Ambry Variant Classification Scheme 2023. Collection method: clinical testing. Allele origin: germline.
Comment: The p.A269D variant (also known as c.806C>A), located in coding exon 7 of the TSC1 gene, results from a C to A substitution at nucleotide position 806. The alanine at codon 269 is replaced by aspartic acid, an amino acid with dissimilar properties. This amino acid position is conserved. In addition, this alteration is predicted to be deleterious by in silico analysis. Since supporting evidence is limited at this time, the clinical significance of this alteration remains unclear.

Labcorp Genetics (formerly Invitae), Labcorp
Classification: Likely benign for Tuberous sclerosis 1. Last evaluated: 2024-10-29. Review status: criteria provided, single submitter. Criteria: Invitae Variant Classification Sherloc (09022015). Collection method: clinical testing. Allele origin: germline.